The following is an entry in ClinVar:

NM_003200.5(TCF3):c.1058C>T (p.Pro353Leu)

Gene: TCF3 (transcription factor 3; minus strand). Cytogenetic location: 19p13.3.
Variant type: single nucleotide variant.
Coding change: c.1058C>T on transcript NM_003200.5 (MANE Select); coding-DNA position 1058, C replaced by T.
Protein change: p.Pro353Leu; replaces proline 353 with leucine.
Molecular consequence: missense variant.
Genome position (GRCh38, 1-based): chr19:1,621,003, G>A on the plus strand (C>T on the coding strand, the complement: TCF3 is on the minus strand). VCF-style: chr19-1621003-G-A. GRCh37 (hg19) VCF-style: chr19-1621002-G-A.
Other names: c.1058C>T, p.Pro353Leu (NM_001136139.4, NM_001351778.2, NM_001351779.2); short protein forms P353L.
Identifiers: ClinVar variation 2789000 (VCV002789000.4), dbSNP rs1176610147, ClinGen allele CA403054106.

ClinVar aggregate classification (germline): Uncertain significance. Review status: criteria provided, multiple submitters, no conflicts (2 of 4 stars). 2 submissions from 2 submitters: Uncertain significance (2). Last evaluated 2024-05-15.

Allele frequency attached by ClinVar (database versions not stated): gnomAD exomes 0.00001; TOPMed 0.00001; gnomAD 0.00002.

Submissions (2):

ARUP Laboratories, Molecular Genetics and Genomics, ARUP Laboratories
Classification: Uncertain significance. Last evaluated: 2024-05-15. Review status: criteria provided, single submitter. Criteria: ARUP Molecular Germline Variant Investigation Process 2024. Collection method: clinical testing. Allele origin: germline.
Comment: The TCF3 c.1058C>T; p.Pro353Leu variant (rs1176610147), to our knowledge, is not reported in the medical literature but is reported in ClinVar (Variation ID: 2789000). This variant is only observed on one allele in the Genome Aggregation Database (v2.1.1), indicating it is not a common polymorphism, but is considered a low confidence variant in the database. Computational analyses are uncertain whether this variant is neutral or deleterious (REVEL: 0.43). Due to limited information, the clinical significance of this variant is uncertain at this time.

Labcorp Genetics (formerly Invitae), Labcorp
Classification: Uncertain significance. Last evaluated: 2022-12-21. Review status: criteria provided, single submitter. Criteria: Invitae Variant Classification Sherloc (09022015). Collection method: clinical testing. Allele origin: germline.
Comment: This variant is present in population databases (no rsID available, gnomAD 0.001%). This sequence change replaces proline, which is neutral and non-polar, with leucine, which is neutral and non-polar, at codon 353 of the TCF3 protein (p.Pro353Leu). This variant has not been reported in the literature in individuals affected with TCF3-related conditions. Advanced modeling of protein sequence and biophysical properties (such as structural, functional, and spatial information, amino acid conservation, physicochemical variation, residue mobility, and thermodynamic stability) performed at Invitae indicates that this missense variant is expected to disrupt TCF3 protein function. In summary, the available evidence is currently insufficient to determine the role of this variant in disease. Therefore, it has been classified as a Variant of Uncertain Significance.